The following is an entry in ClinVar:

NM_006939.4(SOS2):c.1492C>G (p.Gln498Glu)

Gene: SOS2 (SOS Ras/Rho guanine nucleotide exchange factor 2; minus strand). Cytogenetic location: 14q21.3.
Variant type: single nucleotide variant.
Coding change: c.1492C>G on transcript NM_006939.4 (MANE Select); coding-DNA position 1492, C replaced by G.
Protein change: p.Gln498Glu; replaces glutamine 498 with glutamic acid.
Molecular consequence: missense variant.
Genome position (GRCh38, 1-based): chr14:50,159,791, G>C on the plus strand (C>G on the coding strand, the complement: SOS2 is on the minus strand). VCF-style: chr14-50159791-G-C. GRCh37 (hg19) VCF-style: chr14-50626509-G-C.
Other names: c.1393C>G, p.Gln465Glu (NM_001411020.1); short protein forms Q465E, Q498E.
Identifiers: ClinVar variation 2125451 (VCV002125451.5), dbSNP rs2502990104, ClinGen allele CA389645652.

ClinVar aggregate classification (germline): Uncertain significance. Review status: criteria provided, multiple submitters, no conflicts (2 of 4 stars). 2 submissions from 2 submitters: Uncertain significance (2). Last evaluated 2024-01-01.

Conditions:
Cardiovascular phenotype. Identifiers: MedGen CN230736.
Noonan syndrome 9 (NS9). Identifiers: Orphanet 648, MedGen C4225282, MONDO:0014691, OMIM 616559.

Allele frequency attached by ClinVar (database versions not stated): gnomAD exomes below 0.00001.
gnomAD v4.1: 2 of 1,613,792 alleles (0.00012%); highest among the groups gnomAD compares: African/African-American, 0.0013%; no homozygotes.

Submissions (2):

Ambry Genetics
Classification: Uncertain significance for Cardiovascular phenotype. Last evaluated: 2024-01-01. Review status: criteria provided, single submitter. Criteria: Ambry Variant Classification Scheme 2023. Collection method: clinical testing. Allele origin: germline.
Comment: The p.Q498E variant (also known as c.1492C>G), located in coding exon 10 of the SOS2 gene, results from a C to G substitution at nucleotide position 1492. The glutamine at codon 498 is replaced by glutamic acid, an amino acid with highly similar properties. This amino acid position is conserved. In addition, this alteration is predicted to be tolerated by in silico analysis. Since supporting evidence is limited at this time, the clinical significance of this alteration remains unclear.

Labcorp Genetics (formerly Invitae), Labcorp
Classification: Uncertain significance for Noonan syndrome 9. Last evaluated: 2022-04-12. Review status: criteria provided, single submitter. Criteria: Invitae Variant Classification Sherloc (09022015). Collection method: clinical testing. Allele origin: germline.
Comment: Algorithms developed to predict the effect of missense changes on protein structure and function (SIFT, PolyPhen-2, Align-GVGD) all suggest that this variant is likely to be tolerated. In summary, the available evidence is currently insufficient to determine the role of this variant in disease. Therefore, it has been classified as a Variant of Uncertain Significance. This variant has not been reported in the literature in individuals affected with SOS2-related conditions. This variant is not present in population databases (gnomAD no frequency). This sequence change replaces glutamine, which is neutral and polar, with glutamic acid, which is acidic and polar, at codon 498 of the SOS2 protein (p.Gln498Glu).